The following is an entry in ClinVar:

ClinVar aggregate classification (germline): Uncertain significance. Review status: criteria provided, multiple submitters, no conflicts (2 of 4 stars). 4 submissions from 4 submitters: Uncertain significance (4). Last evaluated 2024-02-28.

Allele frequency attached by ClinVar (database versions not stated): gnomAD exomes below 0.00001.
gnomAD v4.1: 4 of 1,614,092 alleles (0.00025%); highest among the groups gnomAD compares: Middle Eastern, 0.049%; no homozygotes.

Submissions (4):

Mayo Clinic Laboratories, Mayo Clinic
Classification: Uncertain significance. Last evaluated: 2024-02-28. Review status: criteria provided, single submitter. Criteria: ACMG Guidelines, 2015. Collection method: clinical testing. Allele origin: germline. Observed: 1 variant allele.
Comment: PP2, PS4_supporting

Blueprint Genetics
Classification: Uncertain significance. Last evaluated: 2019-12-16. Review status: criteria provided, single submitter. Criteria: ACMG Guidelines, 2015. Collection method: clinical testing. Allele origin: germline.

Athena Diagnostics
Classification: Uncertain significance. Last evaluated: 2018-08-21. Review status: criteria provided, single submitter. Criteria: Athena Diagnostics Criteria. Collection method: clinical testing. Allele origin: germline.

Breakthrough Genomics
Classification: Uncertain significance. Review status: criteria provided, single submitter. Criteria: ACMG Guidelines, 2015. Collection method: not provided. Allele origin: germline. Inheritance: Autosomal recessive inheritance. Affected: yes.

Literature cited by the submitters: PubMed 21884818 (cited by Mayo Clinic Laboratories, Mayo Clinic and Athena Diagnostics).

NM_000089.4(COL1A2):c.2428C>T (p.Pro810Ser)

Gene: COL1A2 (collagen type I alpha 2 chain; plus strand). Cytogenetic location: 7q21.3.
Variant type: single nucleotide variant.
Coding change: c.2428C>T on transcript NM_000089.4 (MANE Select); coding-DNA position 2428, C replaced by T.
Protein change: p.Pro810Ser; replaces proline 810 with serine.
Molecular consequence: missense variant.
Genome position (GRCh38, 1-based): chr7:94,422,981, C>T. VCF-style: chr7-94422981-C-T. GRCh37 (hg19) VCF-style: chr7-94052293-C-T.
Other names: p.Pro810Ser; short protein forms P810S.
Identifiers: ClinVar variation 585500 (VCV000585500.5), dbSNP rs779393490, ClinGen allele CA162937945.